The following is an entry in ClinVar:

ClinVar aggregate classification (germline): Uncertain significance. Review status: criteria provided, multiple submitters, no conflicts (2 of 4 stars). 2 submissions from 2 submitters: Uncertain significance (2). Last evaluated 2025-03-18.

Conditions:
Primary ciliary dyskinesia. Also called: Ciliary dyskinesia. Identifiers: Orphanet 244, MedGen C0008780, MONDO:0016575, HP:0012265.

Submissions (2):

Labcorp Genetics (formerly Invitae), Labcorp
Classification: Uncertain significance for Primary ciliary dyskinesia. Last evaluated: 2025-03-18. Review status: criteria provided, single submitter. Criteria: Invitae Variant Classification Sherloc (09022015). Collection method: clinical testing. Allele origin: germline.
Comment: This sequence change falls in intron 14 of the DNAH5 gene. It does not directly change the encoded amino acid sequence of the DNAH5 protein. It affects a nucleotide within the consensus splice site. Information on the frequency of this variant in the gnomAD database is not available, as this variant may be reported differently in the database. This variant has been observed in individual(s) with clinical features of primary ciliary dyskinesia (internal data). In at least one individual the data is consistent with being in trans (on the opposite chromosome) from a pathogenic variant. ClinVar contains an entry for this variant (Variation ID: 373197). Variants that disrupt the consensus splice site are a relatively common cause of aberrant splicing (PMID: 17576681, 9536098). In summary, the available evidence is currently insufficient to determine the role of this variant in disease. Therefore, it has been classified as a Variant of Uncertain Significance.

GeneDx
Classification: Uncertain significance. Last evaluated: 2016-11-03. Review status: criteria provided, single submitter. Criteria: GeneDx Variant Classification (06012015). Collection method: clinical testing. Allele origin: germline. Affected: yes.
Comment: The c.2052+6_2052+7delTCinsAG variant in the DNAH5 gene has not been reported previously as a pathogenic variant nor as a benign variant, to our knowledge. This variant reduces the quality of the splice donor site in intron 14, and is expected to cause abnormal gene splicing. However, in the absence of RNA/functional studies, the actual effect of c.2052+6_2052+7delTCinsAG in this individual is unknown. The c.2052+6_2052+7delTCinsAG variant was not observed in approximately 6,500 individuals of European and African American ancestry in the NHLBI Exome Sequencing Project, indicating it is not a common benign variant in these populations. We interpret c.2052+6_2052+7delTCinsAG as a variant of uncertain significance.

Literature cited by the submitters: PubMed 17576681 (cited by Labcorp Genetics (formerly Invitae), Labcorp); PubMed 9536098 (cited by Labcorp Genetics (formerly Invitae), Labcorp).

NM_001369.3(DNAH5):c.2052+6_2052+7delinsAG

Gene: DNAH5 (dynein axonemal heavy chain 5; minus strand). Cytogenetic location: 5p15.2.
Variant type: Indel.
Coding change: c.2052+6_2052+7delinsAG on transcript NM_001369.3 (MANE Select); bases 6 to 7 of the intron after coding-DNA position 2052, TC replaced by AG.
Molecular consequence: intron variant.
Genome position (GRCh38, 1-based): chr5:13,901,245-13,901,246, GA replaced by CT on the plus strand (TC replaced by AG on the coding strand, the reverse complement: DNAH5 is on the minus strand). VCF-style: chr5-13901245-GA-CT. GRCh37 (hg19) VCF-style: chr5-13901354-GA-CT.
Other names: c.2052+6_2052+7delTCinsAG (NM_001369.2).
Identifiers: ClinVar variation 373197 (VCV000373197.2), dbSNP rs1057518277, ClinGen allele CA16042582.